The following is an entry in ClinVar:

ClinVar aggregate classification (germline): Uncertain significance (1 of 4 stars; one submission).

Conditions:
Combined immunodeficiency due to ZAP70 deficiency (IMD48). Also called: Immunodeficiency 48; ZAP70 Deficiency. Identifiers: Orphanet 911, MedGen C2931299, MONDO:0010023, OMIM 269840.

Allele frequency attached by ClinVar (database versions not stated): TOPMed below 0.00001; gnomAD 0.00001.

Submission:

Labcorp Genetics (formerly Invitae), Labcorp
Classification: Uncertain significance for Combined immunodeficiency due to ZAP70 deficiency. Last evaluated: 2021-12-27. Review status: criteria provided, single submitter. Criteria: Invitae Variant Classification Sherloc (09022015). Collection method: clinical testing. Allele origin: germline.
Comment: This sequence change replaces arginine, which is basic and polar, with leucine, which is neutral and non-polar, at codon 17 of the ZAP70 protein (p.Arg17Leu). This variant is not present in population databases (gnomAD no frequency). This variant has not been reported in the literature in individuals affected with ZAP70-related conditions. Algorithms developed to predict the effect of missense changes on protein structure and function are either unavailable or do not agree on the potential impact of this missense change (SIFT: "Not Available"; PolyPhen-2: "Probably Damaging"; Align-GVGD: "Not Available"). In summary, the available evidence is currently insufficient to determine the role of this variant in disease. Therefore, it has been classified as a Variant of Uncertain Significance.

NM_001079.4(ZAP70):c.50G>T (p.Arg17Leu)

Gene: ZAP70 (zeta chain of T cell receptor associated protein kinase 70; plus strand). Cytogenetic location: 2q11.2.
Variant type: single nucleotide variant.
Coding change: c.50G>T on transcript NM_001079.4 (MANE Select); coding-DNA position 50, G replaced by T.
Protein change: p.Arg17Leu; replaces arginine 17 with leucine.
Molecular consequence: missense variant.
Genome position (GRCh38, 1-based): chr2:97,724,086, G>T. VCF-style: chr2-97724086-G-T. GRCh37 (hg19) VCF-style: chr2-98340549-G-T.
Other names: c.50G>T, p.Arg17Leu (NM_001378594.1); short protein forms R17L.
Identifiers: ClinVar variation 2060147 (VCV002060147.1), dbSNP rs1246320051, ClinGen allele CA347787287.